The following is an entry in ClinVar:

ClinVar aggregate classification (germline): Uncertain significance (1 of 4 stars; one submission).

Allele frequency attached by ClinVar (database versions not stated): gnomAD exomes below 0.00001; ExAC 0.00001.

Submission:

Labcorp Genetics (formerly Invitae), Labcorp
Classification: Uncertain significance. Last evaluated: 2023-04-01. Review status: criteria provided, single submitter. Criteria: Invitae Variant Classification Sherloc (09022015). Collection method: clinical testing. Allele origin: germline.
Comment: This variant has not been reported in the literature in individuals affected with CACNA1G-related conditions. The frequency data for this variant in the population databases is considered unreliable, as metrics indicate poor data quality at this position in the gnomAD database. This sequence change replaces methionine, which is neutral and non-polar, with threonine, which is neutral and polar, at codon 1048 of the CACNA1G protein (p.Met1048Thr). In summary, the available evidence is currently insufficient to determine the role of this variant in disease. Therefore, it has been classified as a Variant of Uncertain Significance. Advanced modeling of protein sequence and biophysical properties (such as structural, functional, and spatial information, amino acid conservation, physicochemical variation, residue mobility, and thermodynamic stability) has been performed at Invitae for this missense variant, however the output from this modeling did not meet the statistical confidence thresholds required to predict the impact of this variant on CACNA1G protein function.

NM_018896.5(CACNA1G):c.3143T>C (p.Met1048Thr)

Gene: CACNA1G (calcium voltage-gated channel subunit alpha1 G; plus strand). Cytogenetic location: 17q21.33.
Variant type: single nucleotide variant.
Coding change: c.3143T>C on transcript NM_018896.5 (MANE Select); coding-DNA position 3143, T replaced by C.
Protein change: p.Met1048Thr; replaces methionine 1048 with threonine.
Molecular consequence: missense variant. On other transcripts: non-coding transcript variant (5).
Genome position (GRCh38, 1-based): chr17:50,596,808, T>C. VCF-style: chr17-50596808-T-C. GRCh37 (hg19) VCF-style: chr17-48674169-T-C.
Other names: c.3143T>C, p.Met1048Thr (NM_001256324.2, NM_001256325.2, NM_001256326.2 and 16 more transcripts); c.3074T>C, p.Met1025Thr (NM_001256332.2, NM_198376.3, NM_198379.3 and 5 more transcripts); short protein forms M1025T, M1048T.
Identifiers: ClinVar variation 2849197 (VCV002849197.3), dbSNP rs767754102, ClinGen allele CA8652641.